The following is an entry in ClinVar:

ClinVar aggregate classification (germline): Conflicting classifications of pathogenicity. Review status: criteria provided, conflicting classifications (1 of 4 stars). 3 submissions from 3 submitters: Uncertain significance (2); Likely benign (1). Last evaluated 2024-11-11.

Conditions:
Generalized epilepsy-paroxysmal dyskinesia syndrome (PNKD3). Also called: Paroxysmal nonkinesigenic dyskinesia, 3, with or without generalized epilepsy; Generalized epilepsy and paroxysmal dyskinesia. Identifiers: Orphanet 79137, MedGen C5574945, MONDO:0012276, OMIM 609446.

Allele frequency attached by ClinVar (database versions not stated): gnomAD exomes below 0.00001 and 0.00002; ExAC 0.00001; ESP Exome Variant Server 0.00008.
gnomAD v4.1: 23 of 1,553,594 alleles (0.0015%); highest among the groups gnomAD compares: Non-Finnish European, 0.002%; no homozygotes.

Submissions (3):

Labcorp Genetics (formerly Invitae), Labcorp
Classification: Uncertain significance for Generalized epilepsy-paroxysmal dyskinesia syndrome. Last evaluated: 2024-11-11. Review status: criteria provided, single submitter. Criteria: Invitae Variant Classification Sherloc (09022015). Collection method: clinical testing. Allele origin: germline.
Comment: This sequence change falls in intron 14 of the KCNMA1 gene. It does not directly change the encoded amino acid sequence of the KCNMA1 protein. It affects a nucleotide within the consensus splice site. This variant is present in population databases (rs369035808, gnomAD 0.0009%). This variant has not been reported in the literature in individuals affected with KCNMA1-related conditions. ClinVar contains an entry for this variant (Variation ID: 806526). Variants that disrupt the consensus splice site are a relatively common cause of aberrant splicing (PMID: 17576681, 9536098). Algorithms developed to predict the effect of sequence changes on RNA splicing suggest that this variant is not likely to affect RNA splicing. In summary, the available evidence is currently insufficient to determine the role of this variant in disease. Therefore, it has been classified as a Variant of Uncertain Significance.

Blueprint Genetics
Classification: Likely benign. Last evaluated: 2024-01-03. Review status: criteria provided, single submitter. Criteria: ACMG Guidelines, 2015. Collection method: clinical testing. Allele origin: germline.

CeGaT Center for Human Genetics Tuebingen
Classification: Uncertain significance. Last evaluated: 2017-05-01. Review status: criteria provided, single submitter. Criteria: CeGaT Center For Human Genetics Tuebingen Variant Classification Criteria Version 2. Collection method: clinical testing. Allele origin: germline. Affected: yes. Observed: 1 variant allele.

Literature cited by the submitters: PubMed 17576681 (cited by Labcorp Genetics (formerly Invitae), Labcorp); PubMed 9536098 (cited by Labcorp Genetics (formerly Invitae), Labcorp).

NM_001161352.2(KCNMA1):c.1750-3T>C

Gene: KCNMA1 (potassium calcium-activated channel subfamily M alpha 1; minus strand). Cytogenetic location: 10q22.3.
Variant type: single nucleotide variant.
Coding change: c.1750-3T>C on transcript NM_001161352.2 (MANE Select); 3 bases into the intron before coding-DNA position 1750, T replaced by C.
Molecular consequence: intron variant.
Genome position (GRCh38, 1-based): chr10:77,039,640, A>G on the plus strand (T>C on the coding strand, the complement: KCNMA1 is on the minus strand). VCF-style: chr10-77039640-A-G. GRCh37 (hg19) VCF-style: chr10-78799398-A-G.
Other names: c.1588-3T>C (NM_001271518.2); c.1750-3T>C (NM_001322832.2, NM_001322829.2, NM_001014797.3 and 7 more transcripts); c.1210-3T>C (NM_001322838.2).
Identifiers: ClinVar variation 806526 (VCV000806526.49), dbSNP rs369035808, ClinGen allele CA5568346.